The following is an entry in ClinVar:

ClinVar aggregate classification (germline): Uncertain significance (1 of 4 stars; one submission).

Submission:

Labcorp Genetics (formerly Invitae), Labcorp
Classification: Uncertain significance. Last evaluated: 2023-07-25. Review status: criteria provided, single submitter. Criteria: Invitae Variant Classification Sherloc (09022015). Collection method: clinical testing. Allele origin: germline.
Comment: In summary, the available evidence is currently insufficient to determine the role of this variant in disease. Therefore, it has been classified as a Variant of Uncertain Significance. Algorithms developed to predict the effect of sequence changes on RNA splicing suggest that this variant may disrupt the consensus splice site. This variant has not been reported in the literature in individuals affected with COL18A1-related conditions. This variant is not present in population databases (gnomAD no frequency). This sequence change falls in intron 15 of the COL18A1 gene. It does not directly change the encoded amino acid sequence of the COL18A1 protein.

NM_001379500.1(COL18A1):c.1702-5C>G

Gene: COL18A1 (collagen type XVIII alpha 1 chain; plus strand). Cytogenetic location: 21q22.3.
Variant type: single nucleotide variant.
Coding change: c.1702-5C>G on transcript NM_001379500.1 (MANE Select); 5 bases into the intron before coding-DNA position 1702, C replaced by G.
Molecular consequence: intron variant.
Genome position (GRCh38, 1-based): chr21:45,486,856, C>G. VCF-style: chr21-45486856-C-G. GRCh37 (hg19) VCF-style: chr21-46906770-C-G.
Other names: c.2947-5C>G (NM_130444.3); c.2242-5C>G (NM_030582.4).
Identifiers: ClinVar variation 2843608 (VCV002843608.3), dbSNP rs1192526031, ClinGen allele CA2739267715.